The following is an entry in ClinVar:

ClinVar aggregate classification (germline): Uncertain significance (1 of 4 stars; one submission).

gnomAD v4.1: 1 of 1,605,898 alleles (0.000062%); highest among the groups gnomAD compares: Middle Eastern, 0.016%; no homozygotes.

Submission:

Labcorp Genetics (formerly Invitae), Labcorp
Classification: Uncertain significance. Last evaluated: 2025-08-14. Review status: criteria provided, single submitter. Criteria: Invitae Variant Classification Sherloc (09022015). Collection method: clinical testing. Allele origin: germline.
Comment: This sequence change replaces alanine, which is neutral and non-polar, with serine, which is neutral and polar, at codon 144 of the ACAN protein (p.Ala144Ser). This variant is not present in population databases (gnomAD no frequency). This variant has not been reported in the literature in individuals affected with ACAN-related conditions. Invitae Evidence Modeling of protein sequence and biophysical properties (such as structural, functional, and spatial information, amino acid conservation, physicochemical variation, residue mobility, and thermodynamic stability) indicates that this missense variant is not expected to disrupt ACAN protein function with a negative predictive value of 80%. In summary, the available evidence is currently insufficient to determine the role of this variant in disease. Therefore, it has been classified as a Variant of Uncertain Significance.

NM_001369268.1(ACAN):c.430G>T (p.Ala144Ser)

Gene: ACAN (aggrecan; plus strand). Cytogenetic location: 15q26.1.
Variant type: single nucleotide variant.
Coding change: c.430G>T on transcript NM_001369268.1 (MANE Select); coding-DNA position 430, G replaced by T.
Protein change: p.Ala144Ser; replaces alanine 144 with serine.
Molecular consequence: missense variant.
Genome position (GRCh38, 1-based): chr15:88,839,022, G>T. VCF-style: chr15-88839022-G-T. GRCh37 (hg19) VCF-style: chr15-89382253-G-T.
Other names: c.430G>T, p.Ala144Ser (NM_001135.4, NM_001411096.1, NM_001411097.1 and 1 more transcripts); short protein forms A144S.
Identifiers: ClinVar variation 4744966 (VCV004744966.1).